The following is an entry in ClinVar:

ClinVar aggregate classification (germline): Uncertain significance (1 of 4 stars; one submission).

Conditions:
Cardiovascular phenotype. Identifiers: MedGen CN230736.

gnomAD v4.1: 2 of 1,613,082 alleles (0.00012%); highest among the groups gnomAD compares: Non-Finnish European, 0.00017%; no homozygotes.

Submission:

Ambry Genetics
Classification: Uncertain significance for Cardiovascular phenotype. Last evaluated: 2025-02-09. Review status: criteria provided, single submitter. Criteria: Ambry Variant Classification Scheme 2023. Collection method: clinical testing. Allele origin: germline.
Comment: The p.P323A variant (also known as c.967C>G), located in coding exon 7 of the LDB3 gene, results from a C to G substitution at nucleotide position 967. The proline at codon 323 is replaced by alanine, an amino acid with highly similar properties. This amino acid position is conserved. In addition, this alteration is predicted to be tolerated by in silico analysis. Based on the available evidence, the clinical significance of this variant remains unclear.

NM_007078.3(LDB3):c.967C>G (p.Pro323Ala)

Gene: LDB3 (LIM domain binding 3; plus strand). Cytogenetic location: 10q23.2.
Variant type: single nucleotide variant.
Coding change: c.967C>G on transcript NM_007078.3 (MANE Select); coding-DNA position 967, C replaced by G.
Protein change: p.Pro323Ala; replaces proline 323 with alanine.
Molecular consequence: missense variant. On other transcripts: intron variant (4).
Genome position (GRCh38, 1-based): chr10:86,706,601, C>G. VCF-style: chr10-86706601-C-G. GRCh37 (hg19) VCF-style: chr10-88466358-C-G.
Other names: c.826C>G, p.Pro276Ala (NM_001368066.1); c.897-3304C>G (NM_001368064.1, NM_001368065.1); c.1101-3304C>G (NM_001171610.2); c.756-3304C>G (NM_001080114.2); short protein forms P276A, P323A.
Identifiers: ClinVar variation 3866771 (VCV003866771.1).
Genomic context (GRCh38, chr10:86,706,601, plus strand): 5'-GAGCATGCGCCGGTGTGCACCAGCCAGGCCACCACCCCGCTGCTGCCCGCTTCTGCCCAG[C>G]CACCTGCTGCTGCCTCTCCCAGTGCGGCTTCGCCACCCCTGGCCACAGCTGCTGCCCACA-3'
Protein context (NP_009009.1, residues 313-333): TTPLLPASAQ[Pro323Ala]PAAASPSAAS